The following is an entry in ClinVar:

ClinVar aggregate classification (germline): Pathogenic (1 of 4 stars; one submission).

Submission:

Labcorp Genetics (formerly Invitae), Labcorp
Classification: Pathogenic. Last evaluated: 2025-12-30. Review status: criteria provided, single submitter. Criteria: Invitae Variant Classification Sherloc (09022015). Collection method: clinical testing. Allele origin: germline.
Comment: This sequence change creates a premature translational stop signal (p.Trp133*) in the TMPRSS3 gene. It is expected to result in an absent or disrupted protein product. Loss-of-function variants in TMPRSS3 are known to be pathogenic (PMID: 16021470, 26969326). This variant is not present in population databases (gnomAD no frequency). This variant has not been reported in the literature in individuals affected with TMPRSS3-related conditions. ClinVar contains an entry for this variant (Variation ID: 1075246). Algorithms developed to predict the effect of sequence changes on RNA splicing suggest that this variant may disrupt the consensus splice site. For these reasons, this variant has been classified as Pathogenic.

Literature cited by the submitters: PubMed 16021470; PubMed 26969326.

NM_001256317.3(TMPRSS3):c.398G>A (p.Trp133Ter)

Gene: TMPRSS3 (transmembrane serine protease 3; minus strand). Cytogenetic location: 21q22.3.
Variant type: single nucleotide variant.
Coding change: c.398G>A on transcript NM_001256317.3 (MANE Select); coding-DNA position 398, G replaced by A.
Protein change: p.Trp133Ter; replaces tryptophan 133 with a stop codon.
Molecular consequence: nonsense.
Genome position (GRCh38, 1-based): chr21:42,388,451, C>T on the plus strand (G>A on the coding strand, the complement: TMPRSS3 is on the minus strand). VCF-style: chr21-42388451-C-T. GRCh37 (hg19) VCF-style: chr21-43808560-C-T.
Other names: c.398G>A, p.Trp133Ter (NM_024022.4, NM_032405.2); c.17G>A, p.Trp6Ter (NM_032404.3); short protein forms W133*, W6*.
Identifiers: ClinVar variation 1075246 (VCV001075246.7), dbSNP rs2146448317, ClinGen allele CA410375382.